The following is an entry in ClinVar:

ClinVar aggregate classification (germline): Pathogenic (1 of 4 stars; one submission).

Conditions:
Familial cancer of breast. Also called: Hereditary breast cancer; BREAST CANCER, FAMILIAL; hereditary breast carcinoma. Identifiers: Orphanet 227535, MedGen C0346153, MONDO:0016419, OMIM 114480. Disease mechanism: loss of function.

Submission:

Myriad Genetics, Inc.
Classification: Pathogenic for Familial cancer of breast. Last evaluated: 2023-06-06. Review status: criteria provided, single submitter. Criteria: Myriad Autosomal Dominant, Autosomal Recessive and X-Linked Classification Criteria (2023). Collection method: clinical testing. Allele origin: unknown.
Comment: This variant is considered pathogenic. This variant creates a frameshift predicted to result in premature protein truncation.

NM_032043.3(BRIP1):c.2474_2485delinsG (p.Leu825fs)

Gene: BRIP1 (BRCA1 interacting DNA helicase 1; minus strand). Cytogenetic location: 17q23.2.
Variant type: Indel.
Coding change: c.2474_2485delinsG on transcript NM_032043.3 (MANE Select); coding-DNA positions 2474 to 2485, TAAACCAGGCCC replaced by G.
Protein change: p.Leu825fs; shifts the reading frame from leucine 825.
Molecular consequence: frameshift variant.
Genome position (GRCh38, 1-based): chr17:61,715,958-61,715,969, GGGCCTGGTTTA replaced by C on the plus strand (TAAACCAGGCCC replaced by G on the coding strand, the reverse complement: BRIP1 is on the minus strand). VCF-style: chr17-61715958-GGGCCTGGTTTA-C. GRCh37 (hg19) VCF-style: chr17-59793319-GGGCCTGGTTTA-C.
Other names: short protein forms L825fs.
Identifiers: ClinVar variation 2583690 (VCV002583690.2), dbSNP rs2544696032, ClinGen allele CA2582342199.